The following is an entry in ClinVar:

NM_000271.5(NPC1):c.495_496insTG (p.Pro166fs)

Gene: NPC1 (NPC intracellular cholesterol transporter 1; minus strand). Cytogenetic location: 18q11.2.
Variant type: Insertion.
Coding change: c.495_496insTG on transcript NM_000271.5 (MANE Select); coding-DNA positions 495 to 496, TG inserted.
Protein change: p.Pro166fs; shifts the reading frame from proline 166.
Molecular consequence: frameshift variant.
Genome position: GRCh38 VCF-style: chr18-23561495-G-GCA. GRCh37 (hg19) VCF-style: chr18-21141459-G-GCA.
Other names: short protein forms P166fs.
Identifiers: ClinVar variation 5014164 (VCV005014164.1).

ClinVar aggregate classification (germline): Pathogenic (1 of 4 stars; one submission).

Conditions:
Niemann-Pick disease, type C1. Also called: NEUROVISCERAL STORAGE DISEASE WITH VERTICAL SUPRANUCLEAR OPHTHALMOPLEGIA; NIEMANN-PICK DISEASE WITH CHOLESTEROL ESTERIFICATION BLOCK; NIEMANN-PICK DISEASE WITHOUT SPHINGOMYELINASE DEFICIENCY; NIEMANN-PICK DISEASE, CHRONIC NEURONOPATHIC FORM; NIEMANN-PICK DISEASE, VARIANT TYPE C1. Identifiers: Orphanet 646, MedGen C3179455, MONDO:0009757, OMIM 257220.

Submission:

Myriad Genetics, Inc.
Classification: Pathogenic for Niemann-Pick disease, type C1. Last evaluated: 2025-03-01. Review status: criteria provided, single submitter. Criteria: Myriad Autosomal Dominant, Autosomal Recessive and X-Linked Classification Criteria (2023). Collection method: clinical testing. Allele origin: unknown.
Comment: NM_000271.4(NPC1):c.495_496insTG(P166Cfs*56) is expected to be pathogenic in the context of Niemann-Pick disease type C1. This variant is predicted to lead to an abnormal or absent protein product due to the creation of a premature termination codon in NPC1, a gene where loss-of-function variants are known to be pathogenic. Please note: this variant was assessed in the context of healthy population screening.